The following is an entry in ClinVar:

ClinVar aggregate classification (germline): Uncertain significance (1 of 4 stars; one submission).

Conditions:
RNF170-related disorder. Also called: RNF170-related condition.

Allele frequency attached by ClinVar (database versions not stated): TOPMed below 0.00001.
gnomAD v4.1: 17 of 1,614,120 alleles (0.0011%); highest among the groups gnomAD compares: Non-Finnish European, 0.0013%; no homozygotes.

Submission:

PreventionGenetics, part of Exact Sciences
Classification: Uncertain significance for RNF170-related condition. Last evaluated: 2023-03-25. Review status: criteria provided, single submitter. Criteria: ACMG Guidelines, 2015. Collection method: clinical testing. Allele origin: germline.
Comment: The RNF170 c.125A>G variant is predicted to result in the amino acid substitution p.Tyr42Cys. To our knowledge, this variant has not been reported in the literature. This variant is reported in 0.00088% of alleles in individuals of European (Non-Finnish) descent in gnomAD. At this time, the clinical significance of this variant is uncertain due to the absence of conclusive functional and genetic evidence.

NM_030954.4(RNF170):c.125A>G (p.Tyr42Cys)

Gene: RNF170 (ring finger protein 170; minus strand). Cytogenetic location: 8p11.21.
Variant type: single nucleotide variant.
Coding change: c.125A>G on transcript NM_030954.4 (MANE Select); coding-DNA position 125, A replaced by G.
Protein change: p.Tyr42Cys; replaces tyrosine 42 with cysteine.
Molecular consequence: missense variant. On other transcripts: non-coding transcript variant (2), intron variant (1).
Genome position (GRCh38, 1-based): chr8:42,887,740, T>C on the plus strand (A>G on the coding strand, the complement: RNF170 is on the minus strand). VCF-style: chr8-42887740-T-C. GRCh37 (hg19) VCF-style: chr8-42742883-T-C.
Other names: c.125A>G, p.Tyr42Cys (NM_001160223.2, NM_001160224.2); c.-116+109A>G (NM_001160225.2); short protein forms Y42C.
Identifiers: ClinVar variation 2630322 (VCV002630322.1), dbSNP rs1476458814, ClinGen allele CA371114413.